The following is an entry in ClinVar:

ClinVar aggregate classification (germline): Uncertain significance (1 of 4 stars; one submission).

Conditions:
Holoprosencephaly 3 (HPE3). Identifiers: Orphanet 2162, MedGen C1840529, MONDO:0007733, OMIM 142945.

Allele frequency attached by ClinVar (database versions not stated): gnomAD exomes 0.00001.
gnomAD v4.1: 3 of 1,350,454 alleles (0.00022%); highest among the groups gnomAD compares: African/African-American, 0.003%; no homozygotes.

Submission:

Labcorp Genetics (formerly Invitae), Labcorp
Classification: Uncertain significance for Holoprosencephaly 3. Last evaluated: 2024-10-22. Review status: criteria provided, single submitter. Criteria: Invitae Variant Classification Sherloc (09022015). Collection method: clinical testing. Allele origin: germline.
Comment: This sequence change replaces aspartic acid, which is acidic and polar, with valine, which is neutral and non-polar, at codon 400 of the SHH protein (p.Asp400Val). This variant is present in population databases (no rsID available, gnomAD 0.01%). This variant has not been reported in the literature in individuals affected with SHH-related conditions. ClinVar contains an entry for this variant (Variation ID: 1353086). An algorithm developed to predict the effect of missense changes on protein structure and function (PolyPhen-2) suggests that this variant is likely to be tolerated. In summary, the available evidence is currently insufficient to determine the role of this variant in disease. Therefore, it has been classified as a Variant of Uncertain Significance.

NM_000193.4(SHH):c.1199A>T (p.Asp400Val)

Gene: SHH (sonic hedgehog signaling molecule; minus strand). Cytogenetic location: 7q36.3.
Variant type: single nucleotide variant.
Coding change: c.1199A>T on transcript NM_000193.4 (MANE Select); coding-DNA position 1199, A replaced by T.
Protein change: p.Asp400Val; replaces aspartic acid 400 with valine.
Molecular consequence: missense variant. On other transcripts: intron variant (1).
Genome position (GRCh38, 1-based): chr7:155,803,090, T>A on the plus strand (A>T on the coding strand, the complement: SHH is on the minus strand). VCF-style: chr7-155803090-T-A. GRCh37 (hg19) VCF-style: chr7-155595784-T-A.
Other names: c.302-2845A>T (NM_001310462.2); short protein forms D400V.
Identifiers: ClinVar variation 1353086 (VCV001353086.8), dbSNP rs1395203013, ClinGen allele CA370144671.